The following is an entry in ClinVar:

ClinVar aggregate classification (germline): Uncertain significance (1 of 4 stars; one submission).

Conditions:
Fanconi anemia (FA). Also called: Fanconi's anemia. Identifiers: Orphanet 84, MedGen C0015625, MeSH D005199, MONDO:0019391.

Submission:

Labcorp Genetics (formerly Invitae), Labcorp
Classification: Uncertain significance for Fanconi anemia. Last evaluated: 2025-12-03. Review status: criteria provided, single submitter. Criteria: Invitae Variant Classification Sherloc (09022015). Collection method: clinical testing. Allele origin: germline.
Comment: This sequence change affects codon 149 of the FANCF mRNA. It is a 'silent' change, meaning that it does not change the encoded amino acid sequence of the FANCF protein. This variant is not present in population databases (gnomAD no frequency). This variant has not been reported in the literature in individuals affected with FANCF-related conditions. ClinVar contains an entry for this variant (Variation ID: 2825110). In summary, the available evidence is currently insufficient to determine the role of this variant in disease. Therefore, it has been classified as a Variant of Uncertain Significance.

NM_022725.4(FANCF):c.447T>C (p.Asn149=)

Gene: FANCF (FA complementation group F; minus strand). Cytogenetic location: 11p14.3.
Variant type: single nucleotide variant.
Coding change: c.447T>C on transcript NM_022725.4 (MANE Select); coding-DNA position 447, T replaced by C.
Protein change: p.Asn149=; no amino-acid change (asparagine 149 retained).
Molecular consequence: synonymous variant.
Genome position (GRCh38, 1-based): chr11:22,625,364, A>G on the plus strand (T>C on the coding strand, the complement: FANCF is on the minus strand). VCF-style: chr11-22625364-A-G. GRCh37 (hg19) VCF-style: chr11-22646910-A-G.
Identifiers: ClinVar variation 2825110 (VCV002825110.3), dbSNP rs2494867144, ClinGen allele CA473533565.